The following is an entry in ClinVar:

ClinVar aggregate classification (germline): Uncertain significance (1 of 4 stars; one submission).

Submission:

Labcorp Genetics (formerly Invitae), Labcorp
Classification: Uncertain significance. Last evaluated: 2023-01-22. Review status: criteria provided, single submitter. Criteria: Invitae Variant Classification Sherloc (09022015). Collection method: clinical testing. Allele origin: germline.
Comment: In summary, the available evidence is currently insufficient to determine the role of this variant in disease. Therefore, it has been classified as a Variant of Uncertain Significance. Advanced modeling of protein sequence and biophysical properties (such as structural, functional, and spatial information, amino acid conservation, physicochemical variation, residue mobility, and thermodynamic stability) performed at Invitae indicates that this missense variant is expected to disrupt SAG protein function. This variant has not been reported in the literature in individuals affected with SAG-related conditions. This variant is not present in population databases (gnomAD no frequency). This sequence change replaces serine, which is neutral and polar, with proline, which is neutral and non-polar, at codon 330 of the SAG protein (p.Ser330Pro).

NM_000541.5(SAG):c.988T>C (p.Ser330Pro)

Gene: SAG (S-antigen visual arrestin; plus strand). Cytogenetic location: 2q37.1.
Variant type: single nucleotide variant.
Coding change: c.988T>C on transcript NM_000541.5 (MANE Select); coding-DNA position 988, T replaced by C.
Protein change: p.Ser330Pro; replaces serine 330 with proline.
Molecular consequence: missense variant.
Genome position (GRCh38, 1-based): chr2:233,338,719, T>C. VCF-style: chr2-233338719-T-C. GRCh37 (hg19) VCF-style: chr2-234247365-T-C.
Other names: short protein forms S330P.
Identifiers: ClinVar variation 2831082 (VCV002831082.3), dbSNP rs2469819668, ClinGen allele CA351048939.